The following is an entry in ClinVar:

ClinVar aggregate classification (germline): Benign/Likely benign. Review status: criteria provided, multiple submitters, no conflicts (2 of 4 stars). 4 submissions from 4 submitters: Benign (1); Likely benign (3). Last evaluated 2021-09-01.

Conditions:
Hyperornithinemia-hyperammonemia-homocitrullinuria syndrome (HHHS). Also called: HHH SYNDROME; Ornithine translocase deficiency. Identifiers: Orphanet 415, MedGen C0268540, MONDO:0009393, OMIM 238970.

Allele frequency attached by ClinVar (database versions not stated): 1000 Genomes Project 30x 0.00265; 1000 Genomes Project 0.00300; TOPMed 0.00561; gnomAD 0.00602 and 0.00623; ESP Exome Variant Server 0.00657; gnomAD exomes 0.00765.
gnomAD v4.1: 11,357 of 1,524,934 alleles (0.74%); highest among the groups gnomAD compares: Non-Finnish European, 0.9%; 45 homozygotes.

Submissions (4):

CeGaT Center for Human Genetics Tuebingen
Classification: Likely benign. Last evaluated: 2021-09-01. Review status: criteria provided, single submitter. Criteria: CeGaT Center For Human Genetics Tuebingen Variant Classification Criteria Version 2. Collection method: clinical testing. Allele origin: germline. Affected: yes. Observed: 1 variant allele.

GeneDx
Classification: Benign. Last evaluated: 2021-01-15. Review status: criteria provided, single submitter. Criteria: GeneDx Variant Classification Process June 2021. Collection method: clinical testing. Allele origin: germline. Affected: yes.

Illumina Laboratory Services, Illumina
Classification: Likely benign for Hyperornithinemia-hyperammonemia-homocitrullinuria syndrome. Last evaluated: 2018-01-12. Review status: criteria provided, single submitter. Criteria: ICSL Variant Classification Criteria 13 December 2019. Collection method: clinical testing. Allele origin: germline.
Comment: This variant was observed in the ICSL laboratory as part of a predisposition screen in an ostensibly healthy population. It had not been previously curated by ICSL or reported in the Human Gene Mutation Database (HGMD: prior to June 1st, 2018), and was therefore a candidate for classification through an automated scoring system. Utilizing variant allele frequency, disease prevalence and penetrance estimates, and inheritance mode, an automated score was calculated to assess if this variant is too frequent to cause the disease. Based on the score and internal cut-off values, a variant classified as likely benign is not then subjected to further curation. The score for this variant resulted in a classification of likely benign for this disease.

Breakthrough Genomics
Classification: Likely benign. Review status: criteria provided, single submitter. Criteria: ACMG Guidelines, 2015. Collection method: not provided. Allele origin: germline. Inheritance: Autosomal recessive inheritance. Affected: yes.

NM_014252.4(SLC25A15):c.-67A>T

Gene: SLC25A15 (solute carrier family 25 member 15; plus strand). Cytogenetic location: 13q14.11.
Variant type: single nucleotide variant.
Coding change: c.-67A>T on transcript NM_014252.4 (MANE Select); 67 bases upstream of the start codon, A replaced by T.
Molecular consequence: 5 prime UTR variant.
Genome position (GRCh38, 1-based): chr13:40,793,160, A>T. VCF-style: chr13-40793160-A-T. GRCh37 (hg19) VCF-style: chr13-41367296-A-T.
Identifiers: ClinVar variation 312174 (VCV000312174.36), dbSNP rs112276566, ClinGen allele CA10639581.